The following is an entry in ClinVar:

NM_033380.3(COL4A5):c.4709G>C (p.Cys1570Ser)

Gene: COL4A5 (collagen type IV alpha 5 chain; plus strand). Cytogenetic location: Xq22.3.
Variant type: single nucleotide variant.
Coding change: c.4709G>C on transcript NM_033380.3 (MANE Select); coding-DNA position 4709, G replaced by C.
Protein change: p.Cys1570Ser; replaces cysteine 1570 with serine.
Molecular consequence: missense variant.
Genome position (GRCh38, 1-based): chrX:108,694,809, G>C. VCF-style: chrX-108694809-G-C. GRCh37 (hg19) VCF-style: chrX-107938039-G-C.
Other names: C108S; c.4691G>C, p.Cys1564Ser (NM_000495.5); short protein forms C1564S, C1570S.
Identifiers: ClinVar variation 24761 (VCV000024761.24), dbSNP rs104886287, ClinGen allele CA342587.

ClinVar aggregate classification (germline): Pathogenic. Review status: criteria provided, multiple submitters, no conflicts (2 of 4 stars). 6 submissions from 6 submitters: Pathogenic (4). 2 of the submissions do not count toward it. Last evaluated 2024-12-23.

Conditions:
COL4A5-related disorders.
X-linked Alport syndrome (ATS1). Also called: COL4A5-Related Nephropathy; NEPHROPATHY AND DEAFNESS, X-LINKED. Identifiers: Orphanet 63, Orphanet 88917, MedGen C4746986, MONDO:0010520, OMIM 301050.

Submissions (6):

Labcorp Genetics (formerly Invitae), Labcorp
Classification: Pathogenic. Last evaluated: 2024-12-23. Review status: criteria provided, single submitter. Criteria: Invitae Variant Classification Sherloc (09022015). Collection method: clinical testing. Allele origin: germline.
Comment: This sequence change replaces cysteine, which is neutral and slightly polar, with serine, which is neutral and polar, at codon 1564 of the COL4A5 protein (p.Cys1564Ser). This variant is not present in population databases (gnomAD no frequency). This missense change has been observed in individual(s) with adult-onset X-linked Alport syndrome (PMID: 1672282, 8651292, 19919694). It has also been observed to segregate with disease in related individuals. ClinVar contains an entry for this variant (Variation ID: 24761). An algorithm developed to predict the effect of missense changes on protein structure and function (PolyPhen-2) suggests that this variant is likely to be disruptive. Experimental studies have shown that this missense change affects COL4A5 function (PMID: 18083113). For these reasons, this variant has been classified as Pathogenic.

ARUP Laboratories, Molecular Genetics and Genomics, ARUP Laboratories
Classification: Pathogenic for X-linked Alport syndrome. Last evaluated: 2024-04-19. Review status: criteria provided, single submitter. Criteria: ARUP Molecular Germline Variant Investigation Process 2024. Collection method: clinical testing. Allele origin: germline.
Comment: The COL4A5 c.4691G>C; p.Cys1564Ser variant (rs104886287, ClinVar Variation ID: 24761) is reported in the medical literature segregating with Alport syndrome in a large kindred (Pont-Kingdon 2009, Zhou 1991). This variant is absent from the Genome Aggregation Database (v2.1.1), indicating it is not a common polymorphism. Computational analyses predict that this variant is deleterious (REVEL: 0.96). Additionally, this is one of twelve cysteine residues located in the carboxy-terminal domain important for formation of triple helices or networks involving collagen alpha5(IV) chains (Kashtan 2001). Based on available information, this variant is considered to be pathogenic. References: Kashtan CE. Alport Syndrome. 2001 Aug 28 (Updated 2019 Feb 21). In: Adam MP, Feldman J, Mirzaa GM, et al., editors. GeneReviews (Internet). Seattle (WA): University of Washington, Seattle; 1993-2024. Available from an online resource Pont-Kingdon G et al. Molecular testing for adult type Alport syndrome. BMC Nephrol. 2009 Nov 17;10:38. PMID: 19919694. Zhou J et al. Single base mutation in alpha 5(IV) collagen chain gene converting a conserved cysteine to serine in Alport syndrome. Genomics. 1991 Jan;9(1):10-8. PMID: 1672282.

Fulgent Genetics
Classification: Pathogenic for X-linked Alport syndrome. Last evaluated: 2023-12-27. Review status: criteria provided, single submitter. Criteria: ACMG Guidelines, 2015. Collection method: clinical testing. Allele origin: germline.

Blueprint Genetics
Classification: Pathogenic for COL4A5-related disorders. Last evaluated: 2019-01-31. Review status: criteria provided, single submitter. Criteria: ACMG Guidelines, 2015. Collection method: clinical testing. Allele origin: germline. Affected: yes. Observed: 1 variant allele.

GeneReviews
Classification: Pathogenic for Alport Syndrome and Thin Basement Membrane Nephropathy. Last evaluated: 2013-02-28. Review status: no assertion criteria provided. Collection method: curation. Allele origin: unknown. Not counted in ClinVar's aggregate classification.
ClinVar note: Converted during submission from pathologic to Pathogenic.

OMIM
Classification: Pathogenic for ALPORT SYNDROME 1, X-LINKED. Last evaluated: 1991-12-01. Review status: no assertion criteria provided. Collection method: literature only. Allele origin: germline. Not counted in ClinVar's aggregate classification.

Literature cited by the submitters: PubMed 1672282 (cited by Labcorp Genetics (formerly Invitae), Labcorp and OMIM); PubMed 8651292 (cited by Labcorp Genetics (formerly Invitae), Labcorp); PubMed 19919694 (cited by Labcorp Genetics (formerly Invitae), Labcorp); PubMed 18083113 (cited by Labcorp Genetics (formerly Invitae), Labcorp); PubMed 14856448 (cited by OMIM); PubMed 13582260 (cited by OMIM); PubMed 6650503 (cited by OMIM); PubMed 2349482 (cited by OMIM); PubMed 1783380 (cited by OMIM).